The following is an entry in ClinVar:

NM_033380.3(COL4A5):c.3053del (p.Gly1018fs)

Gene: COL4A5 (collagen type IV alpha 5 chain; plus strand). Cytogenetic location: Xq22.3.
Variant type: Deletion.
Coding change: c.3053del on transcript NM_033380.3 (MANE Select); coding-DNA position 3053, one base deleted (G; older notation c.3053delG).
Protein change: p.Gly1018fs; shifts the reading frame from glycine 1018.
Molecular consequence: frameshift variant.
Genome position (GRCh38, 1-based): chrX:108,625,741, G deleted; the last of 2 consecutive G bases (chrX:108,625,740-108,625,741); deleting either gives the same sequence. VCF-style (leftmost placement, unchanged base first): chrX-108625739-AG-A. GRCh37 (hg19) VCF-style: chrX-107868969-AG-A.
Other names: c.3053del, p.Gly1018fs (NM_000495.5); short protein forms G1018fs.
Identifiers: ClinVar variation 4850503 (VCV004850503.1).

ClinVar aggregate classification (germline): Likely pathogenic (1 of 4 stars; one submission).

Conditions:
X-linked Alport syndrome (ATS1). Also called: NEPHROPATHY AND DEAFNESS, X-LINKED; COL4A5-Related Nephropathy. Identifiers: Orphanet 63, Orphanet 88917, MedGen C4746986, MONDO:0010520, OMIM 301050.

Submission:

Prenatal Diagnosis Center, The Affiliated Hospital of Qingdao University
Classification: Likely pathogenic for X-linked Alport syndrome. Last evaluated: 2026-05-08. Review status: criteria provided, single submitter. Criteria: ACMG Guidelines, 2015. Collection method: clinical testing. Allele origin: germline. Inheritance: X-linked dominant inheritance. Observed: 1 variant allele, 1 hemizygote.
Comment: The COL4A5 c.3053del variant is a frameshift mutation located within the COL4A5 collagen domain. This variant is predicted to cause a frameshift, converting the glycine at position 1018 to valine, and introducing an early stop codon 3 nucleotides downstream, which is likely to result in nonsense-mediated mRNA decay or the production of a severely truncated and non-functional COL IV α5 chain (PVS1). Electron microscopy revealed uneven thickness of the glomerular basement membrane and layering and splitting of the dense layer (PP4). This variant was not found in large population databases such as gnomAD v4.0 (PM2). In summary, according to the ACMG/AMP standards and in accordance with the ACMG correction guidelines for Alport syndrome (Savige et al., 2021), the variant meets the criteria for classifying X-linked Alport syndrome as Likely Pathogenic: PVS1, PM2, and PP4.

Literature cited by the submitters: PubMed 33854215.